The following is an entry in ClinVar:

ClinVar aggregate classification (germline): Uncertain significance (1 of 4 stars; one submission).

Conditions:
Ehlers-Danlos syndrome, type 4 (EDSVASC). Also called: Ehlers-Danlos syndrome vascular type; Ehlers Danlos syndrome, ecchymotic type; Ehlers Danlos syndrome, arterial type; Ehlers Danlos syndrome, Sack-Barabas type; Ehlers-Danlos Syndrome Type IV. Identifiers: Orphanet 286, MedGen C0268338, MONDO:0017314, OMIM 130050.

Submission:

Labcorp Genetics (formerly Invitae), Labcorp
Classification: Uncertain significance for Ehlers-Danlos syndrome, type 4. Last evaluated: 2025-11-05. Review status: criteria provided, single submitter. Criteria: Invitae Variant Classification Sherloc (09022015). Collection method: clinical testing. Allele origin: germline.
Comment: This sequence change replaces glutamine, which is neutral and polar, with glutamic acid, which is acidic and polar, at codon 1126 of the COL3A1 protein (p.Gln1126Glu). This variant is not present in population databases (gnomAD no frequency). This variant has not been reported in the literature in individuals affected with COL3A1-related conditions. Invitae Evidence Modeling of protein sequence and biophysical properties (such as structural, functional, and spatial information, amino acid conservation, physicochemical variation, residue mobility, and thermodynamic stability) indicates that this missense variant is not expected to disrupt COL3A1 protein function with a negative predictive value of 95%. This variant disrupts the triple helix domain of COL3A1. Glycine residues within the Gly-Xaa-Yaa repeats of the triple helix domain are required for the structure and stability of fibrillar collagens (PMID: 7695699, 8218237, 19344236). In COL3A1, variants that affect these glycine residues are significantly enriched in individuals with disease (PMID: 24922459, 25758994) compared to the general population (ExAC). In summary, the available evidence is currently insufficient to determine the role of this variant in disease. Therefore, it has been classified as a Variant of Uncertain Significance.

Literature cited by the submitters: PubMed 7695699; PubMed 8218237; PubMed 19344236; PubMed 24922459; PubMed 25758994.

NM_000090.4(COL3A1):c.3376C>G (p.Gln1126Glu)

Gene: COL3A1 (collagen type III alpha 1 chain; plus strand). Cytogenetic location: 2q32.2.
Variant type: single nucleotide variant.
Coding change: c.3376C>G on transcript NM_000090.4 (MANE Select); coding-DNA position 3376, C replaced by G.
Protein change: p.Gln1126Glu; replaces glutamine 1126 with glutamic acid.
Molecular consequence: missense variant.
Genome position (GRCh38, 1-based): chr2:189,007,897, C>G. VCF-style: chr2-189007897-C-G. GRCh37 (hg19) VCF-style: chr2-189872623-C-G.
Other names: short protein forms Q1126E.
Identifiers: ClinVar variation 4800331 (VCV004800331.1).